The following is an entry in ClinVar:

NM_001365276.2(TNXB):c.6211G>C (p.Gly2071Arg)

Gene: TNXB (tenascin XB; minus strand). Cytogenetic location: 6p21.33.
Variant type: single nucleotide variant.
Coding change: c.6211G>C on transcript NM_001365276.2 (MANE Select); coding-DNA position 6211, G replaced by C.
Protein change: p.Gly2071Arg; replaces glycine 2071 with arginine.
Molecular consequence: missense variant.
Genome position (GRCh38, 1-based): chr6:32,068,399, C>G on the plus strand (G>C on the coding strand, the complement: TNXB is on the minus strand). VCF-style: chr6-32068399-C-G. GRCh37 (hg19) VCF-style: chr6-32036176-C-G.
Other names: c.6211G>C, p.Gly2071Arg (NM_019105.8); short protein forms G2071R.
Identifiers: ClinVar variation 1752228 (VCV001752228.2), dbSNP rs200319996, ClinGen allele CA363401850.

ClinVar aggregate classification (germline): Uncertain significance (1 of 4 stars; one submission).

Conditions:
Cardiovascular phenotype. Identifiers: MedGen CN230736.

gnomAD v4.1: 2 of 1,613,424 alleles (0.00012%); highest among the groups gnomAD compares: Non-Finnish European, 0.000085%; no homozygotes.

Submission:

Ambry Genetics
Classification: Uncertain significance for Cardiovascular phenotype. Last evaluated: 2021-09-15. Review status: criteria provided, single submitter. Criteria: Ambry Variant Classification Scheme 2023. Collection method: clinical testing. Allele origin: germline.
Comment: The p.G2071R variant (also known as c.6211G>C), located in coding exon 16 of the TNXB gene, results from a G to C substitution at nucleotide position 6211. The glycine at codon 2071 is replaced by arginine, an amino acid with dissimilar properties. This amino acid position is conserved. In addition, this alteration is predicted to be tolerated by in silico analysis. Since supporting evidence is limited at this time, the clinical significance of this alteration remains unclear.